The following is an entry in ClinVar:

NM_133642.5(LARGE1):c.1193G>A (p.Arg398His)

Gene: LARGE1 (LARGE xylosyl- and glucuronyltransferase 1; minus strand). Cytogenetic location: 22q12.3.
Variant type: single nucleotide variant.
Coding change: c.1193G>A on transcript NM_133642.5 (MANE Select); coding-DNA position 1193, G replaced by A.
Protein change: p.Arg398His; replaces arginine 398 with histidine.
Molecular consequence: missense variant. On other transcripts: intron variant (2).
Genome position (GRCh38, 1-based): chr22:33,337,740, C>T on the plus strand (G>A on the coding strand, the complement: LARGE1 is on the minus strand). VCF-style: chr22-33337740-C-T. GRCh37 (hg19) VCF-style: chr22-33733726-C-T.
Other names: c.1193G>A, p.Arg398His (NM_001362949.2, NM_001362951.2, NM_001362953.2 and 6 more transcripts); c.590G>A, p.Arg197His (NM_001378630.1); c.1132-21492G>A (NM_001378629.1); c.529-21492G>A (NM_001378631.1); short protein forms R197H, R398H.
Identifiers: ClinVar variation 4529899 (VCV004529899.1).
Genomic context (GRCh38, chr22:33,337,740, plus strand): 5'-CCAAACAGTTCCCGCCTCAGAAGATTGCCGTCATACTCCAGGAAGGTCAGGTAGAGGTTG[C>T]GAAAAAACTCCACATGCTTGTTCTTCACCCGGAGCTTCTTGGGGGAGTTCCAGTGAATGA-3'
Protein context (NP_598397.1, residues 388-408): RVKNKHVEFF[Arg398His]NLYLTFLEYD

ClinVar aggregate classification (germline): Uncertain significance (1 of 4 stars; one submission).

gnomAD v4.1: 8 of 1,614,080 alleles (0.0005%); highest among the groups gnomAD compares: Non-Finnish European, 0.00068%; no homozygotes.

Submission:

GeneDx
Classification: Uncertain significance. Last evaluated: 2025-05-13. Review status: criteria provided, single submitter. Criteria: GeneDx Variant Classification Process June 2021. Collection method: clinical testing. Allele origin: germline. Affected: yes.
Comment: Not observed at significant frequency in large population cohorts (gnomAD); In silico analysis supports that this missense variant has a deleterious effect on protein structure/function; Has not been previously published as pathogenic or benign to our knowledge; This variant is associated with the following publications: (PMID: 24709677, 25279699)